The following is an entry in ClinVar:

NM_002471.4(MYH6):c.-46-40G>A

Genes: MYH6 (myosin heavy chain 6; minus strand), LOC114827851 (VISTA enhancer hs2155; plus strand). Cytogenetic location: 14q11.2.
Variant type: single nucleotide variant.
Coding change: c.-46-40G>A on transcript NM_002471.4 (MANE Select); 40 bases into the intron before 46 bases upstream of the start codon, G replaced by A.
Molecular consequence: intron variant.
Genome position (GRCh38, 1-based): chr14:23,407,648, C>T on the plus strand (G>A on the coding strand, the complement: MYH6 is on the minus strand). VCF-style: chr14-23407648-C-T. GRCh37 (hg19) VCF-style: chr14-23876857-C-T.
Identifiers: ClinVar variation 2665041 (VCV002665041.1), dbSNP rs765636449, ClinGen allele CA257800841.

ClinVar aggregate classification (germline): Uncertain significance (1 of 4 stars; one submission).

Conditions:
Hypertrophic cardiomyopathy 14. Identifiers: MedGen C2750467, MONDO:0013197, OMIM 613251.
Dilated cardiomyopathy 1EE (CMD1EE). Identifiers: Orphanet 154, MedGen C2750466, MONDO:0013198, OMIM 613252.

Allele frequency attached by ClinVar (database versions not stated): gnomAD exomes 0.00010; 1000 Genomes Project 30x 0.00016.
gnomAD v4.1: 101 of 1,105,310 alleles (0.0091%); highest among the groups gnomAD compares: South Asian, 0.023%; no homozygotes.

Submission:

New York Genome Center
Classification: Uncertain significance for Dilated cardiomyopathy 1EE; Hypertrophic cardiomyopathy 14. Last evaluated: 2023-06-02. Review status: criteria provided, single submitter. Criteria: NYGC Assertion Criteria 2020. Collection method: clinical testing. Allele origin: germline. Observed: 1 heterozygote.
Comment: The c.-46-40G>A variant identified in the MYH6 gene is a non canonical intronic variant within intron 1/38. This variant is present in population databases (gnomAD v2.1.1, gnomAD v3.1.2, TopMed Freeze 8), with low frequency (allele frequency=3.97e-5) and 0 homozygotes, suggesting it is not a common benign variant in the populations represented in those databases. Algorithms developed to predict the effect of sequence changes on RNA splicing suggest that this variant may disrupt the consensus splice site (SpliceAI: 0.990 acceptor gain; 0.84 acceptor loss) however, there are no functional studies to support or refute these predictions. This variant is not reported in ClinVar database and to our current knowledge has not been reported in affected individuals in the literature. In summary, the available evidence is currently insufficient to determine the role of this variant in disease. Therefore, it has been classified as a Variant of Uncertain Significance.